The following is an entry in ClinVar:

NM_000518.5(HBB):c.92+4G>A

Genes: HBB (hemoglobin subunit beta; minus strand), LOC107133510 (origin of replication at HBB; plus strand), LOC106099062 (HBB recombination region; plus strand). Cytogenetic location: 11p15.4.
Variant type: single nucleotide variant.
Coding change: c.92+4G>A on transcript NM_000518.5 (MANE Select); 4 bases into the intron after coding-DNA position 92, G replaced by A.
Molecular consequence: intron variant.
Genome position (GRCh38, 1-based): chr11:5,226,926, C>T on the plus strand (G>A on the coding strand, the complement: HBB is on the minus strand). VCF-style: chr11-5226926-C-T. GRCh37 (hg19) VCF-style: chr11-5248156-C-T.
Identifiers: ClinVar variation 496007 (VCV000496007.1), dbSNP rs1377832836, ClinGen allele CA658683677.

ClinVar aggregate classification (germline): Uncertain significance (1 of 4 stars; one submission).

Allele frequency attached by ClinVar (database versions not stated): gnomAD 0.00008.

Submission:

Women's Health and Genetics/Laboratory Corporation of America, LabCorp
Classification: Uncertain significance. Last evaluated: 2016-11-11. Review status: criteria provided, single submitter. Criteria: LabCorp Variant Classification Summary - May 2015. Collection method: clinical testing. Allele origin: germline.
Comment: Variant summary: The HBB c.92+4G>A variant involves the alteration of a non-conserved intronic nucleotide. One in silico tool predicts a damaging outcome for this variant. 5/5 splice prediction tools predict no significant impact on normal splicing. However, these predictions have yet to be confirmed by functional studies. This variant is absent in 121280 control chromosomes. The variant of interest has not, to our knowledge, been reported in affected individuals via publications and/or reputable databases/clinical diagnostic laboratories; nor evaluated for functional impact by in vivo/vitro studies. Although, neighboring variants, c.92+5G>A, c.92+5G>T, c.92+6T>C, c.92+7A>T with the similar predictions for the splicing pattern have been reported as causative b-thal mutations, due to the absence of clinical information and lack of functional studies, the variant is classified as a variant of uncertain significance (VUS) until additional information becomes available.